The following is an entry in ClinVar:

NM_153252.5(BRWD3):c.2273T>C (p.Ile758Thr)

Gene: BRWD3 (bromodomain and WD repeat domain containing 3; minus strand). Cytogenetic location: Xq21.1.
Variant type: single nucleotide variant.
Coding change: c.2273T>C on transcript NM_153252.5 (MANE Select); coding-DNA position 2273, T replaced by C.
Protein change: p.Ile758Thr; replaces isoleucine 758 with threonine.
Molecular consequence: missense variant.
Genome position (GRCh38, 1-based): chrX:80,716,209, A>G on the plus strand (T>C on the coding strand, the complement: BRWD3 is on the minus strand). VCF-style: chrX-80716209-A-G. GRCh37 (hg19) VCF-style: chrX-79971708-A-G.
Other names: short protein forms I758T.
Identifiers: ClinVar variation 3697239 (VCV003697239.2).
Genomic context (GRCh38, chrX:80,716,209, plus strand): 5'-ATACTTACCCTTTGAGTAGTGTAAGATGGCTTTTTCTTCTTTTCAACTGTATAAAGACTG[A>G]TTTCTATGTCACCTTTTGCAGTTCGACATTCTTCCTGTACCCTAATAACAAGTCAAAGGT-3'
Protein context (NP_694984.5, residues 748-768): ECRTAKGDIE[Ile758Thr]SLYTVEKKKK

ClinVar aggregate classification (germline): Uncertain significance (1 of 4 stars; one submission).

Submission:

Labcorp Genetics (formerly Invitae), Labcorp
Classification: Uncertain significance. Last evaluated: 2024-10-28. Review status: criteria provided, single submitter. Criteria: Invitae Variant Classification Sherloc (09022015). Collection method: clinical testing. Allele origin: germline.
Comment: This sequence change replaces isoleucine, which is neutral and non-polar, with threonine, which is neutral and polar, at codon 758 of the BRWD3 protein (p.Ile758Thr). This variant is not present in population databases (gnomAD no frequency). This variant has not been reported in the literature in individuals affected with BRWD3-related conditions. Invitae Evidence Modeling of protein sequence and biophysical properties (such as structural, functional, and spatial information, amino acid conservation, physicochemical variation, residue mobility, and thermodynamic stability) indicates that this missense variant is not expected to disrupt BRWD3 protein function with a negative predictive value of 80%. In summary, the available evidence is currently insufficient to determine the role of this variant in disease. Therefore, it has been classified as a Variant of Uncertain Significance.